The following is an entry in ClinVar:

ClinVar aggregate classification (germline): Uncertain significance. Review status: criteria provided, multiple submitters, no conflicts (2 of 4 stars). 2 submissions from 2 submitters: Uncertain significance (2). Last evaluated 2026-08-29.

Conditions:
Cardiovascular phenotype. Identifiers: MedGen CN230736.

Allele frequency attached by ClinVar (database versions not stated): gnomAD exomes below 0.00001.
gnomAD v4.1: 1 of 1,614,018 alleles (0.000062%); highest among the groups gnomAD compares: Non-Finnish European, 0.000085%; no homozygotes.

Submissions (2):

Ambry Genetics
Classification: Uncertain significance for Cardiovascular phenotype. Last evaluated: 2026-08-29. Review status: criteria provided, single submitter. Criteria: Ambry Variant Classification Scheme 2023. Collection method: clinical testing. Allele origin: germline.
Comment: The p.G908V variant (also known as c.2723G>T), located in coding exon 6 of the ALPK3 gene, results from a G to T substitution at nucleotide position 2723. The glycine at codon 908 is replaced by valine, an amino acid with dissimilar properties. This amino acid position is conserved. In addition, this alteration is predicted to be tolerated by in silico analysis. Based on the available evidence, the clinical significance of this variant remains unclear.

Labcorp Genetics (formerly Invitae), Labcorp
Classification: Uncertain significance. Last evaluated: 2022-07-01. Review status: criteria provided, single submitter. Criteria: Invitae Variant Classification Sherloc (09022015). Collection method: clinical testing. Allele origin: germline.
Comment: In summary, the available evidence is currently insufficient to determine the role of this variant in disease. Therefore, it has been classified as a Variant of Uncertain Significance. Algorithms developed to predict the effect of missense changes on protein structure and function (SIFT, PolyPhen-2, Align-GVGD) all suggest that this variant is likely to be tolerated. This variant has not been reported in the literature in individuals affected with ALPK3-related conditions. This variant is not present in population databases (gnomAD no frequency). This sequence change replaces glycine, which is neutral and non-polar, with valine, which is neutral and non-polar, at codon 908 of the ALPK3 protein (p.Gly908Val).

NM_020778.5(ALPK3):c.2117G>T (p.Gly706Val)

Gene: ALPK3 (alpha kinase 3; plus strand). Cytogenetic location: 15q25.3.
Variant type: single nucleotide variant.
Coding change: c.2117G>T on transcript NM_020778.5 (MANE Select); coding-DNA position 2117, G replaced by T.
Protein change: p.Gly706Val; replaces glycine 706 with valine.
Molecular consequence: missense variant.
Genome position (GRCh38, 1-based): chr15:84,856,855, G>T. VCF-style: chr15-84856855-G-T. GRCh37 (hg19) VCF-style: chr15-85400086-G-T.
Other names: c.2723G>T (NM_020778.4); short protein forms G706V.
Identifiers: ClinVar variation 2126302 (VCV002126302.5), dbSNP rs2505719654, ClinGen allele CA393356000.